The following is an entry in ClinVar:

NM_014249.4(NR2E3):c.946G>A (p.Asp316Asn)

Gene: NR2E3 (nuclear receptor subfamily 2 group E member 3; plus strand). Cytogenetic location: 15q23.
Variant type: single nucleotide variant.
Coding change: c.946G>A on transcript NM_014249.4 (MANE Select); coding-DNA position 946, G replaced by A.
Protein change: p.Asp316Asn; replaces aspartic acid 316 with asparagine.
Molecular consequence: missense variant.
Genome position (GRCh38, 1-based): chr15:71,813,587, G>A. VCF-style: chr15-71813587-G-A. GRCh37 (hg19) VCF-style: chr15-72105927-G-A.
Other names: c.946G>A, p.Asp316Asn (NM_016346.4); short protein forms D316N.
Identifiers: ClinVar variation 1438705 (VCV001438705.2), dbSNP rs1381087007, ClinGen allele CA393037674.
Genomic context (GRCh38, chr15:71,813,587, plus strand): 5'-GCCAGCATGGAGACGCGTGTCCTGCAGGAAACTATCTCTCGGTTCCGGGCATTGGCGGTG[G>A]ACCCCACGGAGTTTGCCTGCATGAAGGCCTTGGTCCTCTTCAAGCCAGGTAACTGAGTCT-3'
Protein context (NP_055064.1, residues 306-326): TISRFRALAV[Asp316Asn]PTEFACMKAL

ClinVar aggregate classification (germline): Pathogenic/Likely pathogenic. Review status: criteria provided, multiple submitters, no conflicts (2 of 4 stars). 2 submissions from 2 submitters: Pathogenic (1); Likely pathogenic (1). Last evaluated 2021-11-05.

Conditions:
NR2E3-related disorder. Also called: NR2E3-related disorders; NR2E3-related condition. Identifiers: MedGen CN239387.

Submissions (2):

Labcorp Genetics (formerly Invitae), Labcorp
Classification: Pathogenic. Last evaluated: 2021-11-05. Review status: criteria provided, single submitter. Criteria: Invitae Variant Classification Sherloc (09022015). Collection method: clinical testing. Allele origin: germline.
Comment: This sequence change creates a premature translational stop signal (p.Asp316Asnfs*8) in the NR2E3 gene. It is expected to result in an absent or disrupted protein product. Loss-of-function variants in NR2E3 are known to be pathogenic (PMID: 15459973, 27522502). This variant is not present in population databases (gnomAD no frequency). This variant has not been reported in the literature in individuals affected with NR2E3-related conditions. For these reasons, this variant has been classified as Pathogenic.

Blueprint Genetics
Classification: Likely pathogenic for NR2E3-related disorders. Last evaluated: 2021-08-06. Review status: criteria provided, single submitter. Criteria: ACMG Guidelines, 2015. Collection method: clinical testing. Allele origin: germline. Affected: yes. Observed: 1 variant allele.

Literature cited by the submitters: PubMed 15459973 (cited by Labcorp Genetics (formerly Invitae), Labcorp); PubMed 27522502 (cited by Labcorp Genetics (formerly Invitae), Labcorp).